The following is an entry in ClinVar:

NM_183381.3(RNF13):c.25A>G (p.Met9Val)

Gene: RNF13 (ring finger protein 13; plus strand). Cytogenetic location: 3q25.1.
Variant type: single nucleotide variant.
Coding change: c.25A>G on transcript NM_183381.3 (MANE Select); coding-DNA position 25, A replaced by G.
Protein change: p.Met9Val; replaces methionine 9 with valine.
Molecular consequence: missense variant. On other transcripts: 5 prime UTR variant (4), non-coding transcript variant (1), intron variant (2).
Genome position (GRCh38, 1-based): chr3:149,846,051, A>G. VCF-style: chr3-149846051-A-G. GRCh37 (hg19) VCF-style: chr3-149563838-A-G.
Other names: c.25A>G, p.Met9Val (NM_001378285.1, NM_001378286.1, NM_007282.4); c.-343A>G (NM_001378287.1, NM_001378288.1, NM_001378289.1 and 1 more transcripts); c.-253-6465A>G (NM_183383.2); c.-279-6465A>G (NM_001378291.1); short protein forms M9V.
Identifiers: ClinVar variation 2874551 (VCV002874551.3), dbSNP rs1450138635, ClinGen allele CA355011529.

ClinVar aggregate classification (germline): Uncertain significance (1 of 4 stars; one submission).

Allele frequency attached by ClinVar (database versions not stated): gnomAD 0.00001.
gnomAD v4.1: 1 of 1,611,774 alleles (0.000062%); highest among the groups gnomAD compares: African/African-American, 0.0013%; no homozygotes.

Submission:

Labcorp Genetics (formerly Invitae), Labcorp
Classification: Uncertain significance. Last evaluated: 2023-01-05. Review status: criteria provided, single submitter. Criteria: Invitae Variant Classification Sherloc (09022015). Collection method: clinical testing. Allele origin: germline.
Comment: This variant has not been reported in the literature in individuals affected with RNF13-related conditions. This variant is present in population databases (no rsID available, gnomAD 0.01%). This sequence change replaces methionine, which is neutral and non-polar, with valine, which is neutral and non-polar, at codon 9 of the RNF13 protein (p.Met9Val). Algorithms developed to predict the effect of missense changes on protein structure and function (SIFT, PolyPhen-2, Align-GVGD) all suggest that this variant is likely to be tolerated. In summary, the available evidence is currently insufficient to determine the role of this variant in disease. Therefore, it has been classified as a Variant of Uncertain Significance.